The following is an entry in ClinVar:

NM_001267550.2(TTN):c.102803C>G (p.Thr34268Arg)

Genes: TTN-AS1 (TTN antisense RNA 1; plus strand), TTN (titin; minus strand). Cytogenetic location: 2q31.2.
Variant type: single nucleotide variant.
Coding change: c.102803C>G on transcript NM_001267550.2 (MANE Select); coding-DNA position 102803, C replaced by G.
Protein change: p.Thr34268Arg; replaces threonine 34268 with arginine.
Molecular consequence: missense variant.
Genome position (GRCh38, 1-based): chr2:178,533,812, G>C on the plus strand (C>G on the coding strand, the complement: TTN is on the minus strand). VCF-style: chr2-178533812-G-C. GRCh37 (hg19) VCF-style: chr2-179398539-G-C.
Other names: c.97880C>G, p.Thr32627Arg (NM_001256850.1); c.75608C>G, p.Thr25203Arg (NM_003319.4); c.95099C>G, p.Thr31700Arg (NM_133378.4); c.75983C>G, p.Thr25328Arg (NM_133432.3); c.76184C>G, p.Thr25395Arg (NM_133437.4); short protein forms T32627R, T25328R, T34268R, T25203R, T25395R, T31700R.
Identifiers: ClinVar variation 2091097 (VCV002091097.4), dbSNP rs2154135435, ClinGen allele CA349416664.
Genomic context (GRCh38, chr2:178,533,812, plus strand): 5'-TGAGGCTCTGGGTGGACAGTTATAGTTACTCCAAACCGGACATTTTCACCTACATAAGCT[G>C]TCTTATTATAGAGAGGCAGGGTAAATTCTGGTGGCCTTTCCAGGAGTCTCATTGTGTCTG-3'
Protein context (NP_001254479.2, residues 34258-34278): PEFTLPLYNK[Thr34268Arg]AYVGENVRFG

ClinVar aggregate classification (germline): Uncertain significance (1 of 4 stars; one submission).

Conditions:
Autosomal recessive limb-girdle muscular dystrophy type 2J (LGMDR10). Also called: Limb-girdle muscular dystrophy, type 2J; MUSCULAR DYSTROPHY, LIMB-GIRDLE, AUTOSOMAL RECESSIVE 10. Identifiers: Orphanet 140922, MedGen C1837342, MONDO:0012127, OMIM 608807.
Dilated cardiomyopathy 1G (CMD1G). Identifiers: Orphanet 154, MedGen C1858763, MONDO:0011400, OMIM 604145.

Submission:

Labcorp Genetics (formerly Invitae), Labcorp
Classification: Uncertain significance for Dilated cardiomyopathy 1G; Autosomal recessive limb-girdle muscular dystrophy type 2J. Last evaluated: 2025-02-12. Review status: criteria provided, single submitter. Criteria: Invitae Variant Classification Sherloc (09022015). Collection method: clinical testing. Allele origin: germline.
Comment: This sequence change replaces threonine, which is neutral and polar, with arginine, which is basic and polar, at codon 34268 of the TTN protein (p.Thr34268Arg). This variant is not present in population databases (gnomAD no frequency). This variant has not been reported in the literature in individuals affected with TTN-related conditions. ClinVar contains an entry for this variant (Variation ID: 2091097). Experimental studies and prediction algorithms are not available or were not evaluated, and the functional significance of this variant is currently unknown. This variant is located in the M band of TTN (PMID: 25589632). Non-truncating variants in this region may be relevant for neuromuscular disorders, but have not been definitively shown to cause cardiomyopathy (PMID: 23975875). In summary, the available evidence is currently insufficient to determine the role of this variant in disease. Therefore, it has been classified as a Variant of Uncertain Significance.

Literature cited by the submitters: PubMed 25589632; PubMed 23975875.